The following is an entry in ClinVar:

ClinVar aggregate classification (germline): Uncertain significance (1 of 4 stars; one submission).

Allele frequency attached by ClinVar (database versions not stated): gnomAD exomes below 0.00001.

Submission:

GeneDx
Classification: Uncertain significance. Last evaluated: 2024-03-26. Review status: criteria provided, single submitter. Criteria: GeneDx Variant Classification Process June 2021. Collection method: clinical testing. Allele origin: germline. Affected: yes.
Comment: In silico analysis supports that this missense variant does not alter protein structure/function; Has not been previously published as pathogenic or benign to our knowledge

NM_001303052.2(MYT1L):c.1252G>A (p.Asp418Asn)

Gene: MYT1L (myelin transcription factor 1 like; minus strand). Cytogenetic location: 2p25.3.
Variant type: single nucleotide variant.
Coding change: c.1252G>A on transcript NM_001303052.2 (MANE Select); coding-DNA position 1252, G replaced by A.
Protein change: p.Asp418Asn; replaces aspartic acid 418 with asparagine.
Molecular consequence: missense variant.
Genome position (GRCh38, 1-based): chr2:1,922,517, C>T on the plus strand (G>A on the coding strand, the complement: MYT1L is on the minus strand). VCF-style: chr2-1922517-C-T. GRCh37 (hg19) VCF-style: chr2-1926289-C-T.
Other names: c.1252G>A, p.Asp418Asn (NM_001329844.2, NM_001329845.1, NM_001329846.3 and 6 more transcripts); short protein forms D418N.
Identifiers: ClinVar variation 1310556 (VCV001310556.3), dbSNP rs1331223402, ClinGen allele CA345704460.